The following is an entry in ClinVar:

NM_001142285.2(RPS24):c.428G>A (p.Arg143Lys)

Gene: RPS24 (ribosomal protein S24; plus strand). Cytogenetic location: 10q22.3.
Variant type: single nucleotide variant.
Coding change: c.428G>A on transcript NM_001142285.2; coding-DNA position 428, G replaced by A.
Protein change: p.Arg143Lys; replaces arginine 143 with lysine.
Molecular consequence: missense variant.
Genome position (GRCh38, 1-based): chr10:78,054,568, G>A. VCF-style: chr10-78054568-G-A. GRCh37 (hg19) VCF-style: chr10-79814326-G-A.
Other names: short protein forms R143K.
Identifiers: ClinVar variation 2629329 (VCV002629329.1), dbSNP rs1848131670, ClinGen allele CA377337659.
Genomic context (GRCh38, chr10:78,054,568, plus strand): 5'-TTCTCTCCTTCCCGCTTTTGCAGATGAGGGAATTGGGGCTTGGAGTGCAAGCATTGGGAA[G>A]AATTTCCCAGGAAGAGAGATGCACAGATGTGAAGAACTCGAAGGCAAGAGAAAGCCGGGG-3'

ClinVar aggregate classification (germline): Uncertain significance (1 of 4 stars; one submission).

Conditions:
RPS24-related disorder. Also called: RPS24-related condition.

gnomAD v4.1: 1 of 1,547,650 alleles (0.000065%); highest among the groups gnomAD compares: Middle Eastern, 0.017%; no homozygotes.

Submission:

PreventionGenetics, part of Exact Sciences
Classification: Uncertain significance for RPS24-related condition. Last evaluated: 2023-04-17. Review status: criteria provided, single submitter. Criteria: ACMG Guidelines, 2015. Collection method: clinical testing. Allele origin: germline.
Comment: The RPS24 c.428G>A variant is predicted to result in the amino acid substitution p.Arg143Lys. To our knowledge, this variant has not been reported in the literature or in a large population database, indicating this variant is rare. At this time, the clinical significance of this variant is uncertain due to the absence of conclusive functional and genetic evidence.